The following is an entry in ClinVar:

NM_013275.6(ANKRD11):c.227-3_227-2del

Gene: ANKRD11 (ankyrin repeat domain 11; minus strand). Cytogenetic location: 16q24.3.
Variant type: Microsatellite.
Coding change: c.227-3_227-2del on transcript NM_013275.6 (MANE Select); 3 bases into the intron before coding-DNA position 227 through the canonical splice acceptor site of the intron before coding-DNA position 227, 2 bases deleted (CA; older notation c.227-3_227-2delCA).
Molecular consequence: splice acceptor variant.
Genome position (GRCh38, 1-based): chr16:89,291,185-89,291,186, TG deleted on the plus strand (CA on the coding strand, the reverse complement: ANKRD11 is on the minus strand); deleting any 2 consecutive bases within chr16:89,291,185-89,291,188 gives the same sequence; the c. name uses the placement nearest the transcript's 3' end. VCF-style (leftmost placement, unchanged base first): chr16-89291184-CTG-C. GRCh37 (hg19) VCF-style: chr16-89357592-CTG-C.
Other names: c.227-3_227-2del (NM_001256183.2, NM_001256182.2).
Identifiers: ClinVar variation 971884 (VCV000971884.9), dbSNP rs2035040010, ClinGen allele CA497171219.

ClinVar aggregate classification (germline): Uncertain significance (1 of 4 stars; one submission).

Conditions:
KBG syndrome (KBGS). Also called: ANKRD11-Related KBG Syndrome. Identifiers: Orphanet 2332, MedGen C0220687, MONDO:0007846, OMIM 148050.

Submission:

Labcorp Genetics (formerly Invitae), Labcorp
Classification: Uncertain significance for KBG syndrome. Last evaluated: 2022-07-26. Review status: criteria provided, single submitter. Criteria: Invitae Variant Classification Sherloc (09022015). Collection method: clinical testing. Allele origin: germline.
Comment: This sequence change falls in intron 4 of the ANKRD11 gene. It does not directly change the encoded amino acid sequence of the ANKRD11 protein. This variant is not present in population databases (gnomAD no frequency). This variant has not been reported in the literature in individuals affected with ANKRD11-related conditions. Algorithms developed to predict the effect of sequence changes on RNA splicing suggest that this variant may create or strengthen a splice site. In summary, the available evidence is currently insufficient to determine the role of this variant in disease. Therefore, it has been classified as a Variant of Uncertain Significance.